The following is an entry in ClinVar:

NM_001077415.3(CRELD1):c.1049-389A>G

Gene: CRELD1 (CRELD disulfide isomerase 1; plus strand). Cytogenetic location: 3p25.3.
Variant type: single nucleotide variant.
Coding change: c.1049-389A>G on transcript NM_001077415.3 (MANE Select); 389 bases into the intron before coding-DNA position 1049, A replaced by G.
Molecular consequence: intron variant. On other transcripts: missense variant (3).
Genome position (GRCh38, 1-based): chr3:9,943,976, A>G. VCF-style: chr3-9943976-A-G. GRCh37 (hg19) VCF-style: chr3-9985660-A-G.
Other names: c.1123A>G, p.Thr375Ala (NM_001031717.4); c.1135A>G, p.Thr379Ala (NM_001374317.1, NM_001374318.1); c.965-389A>G (NM_001374319.1, NM_001374320.1); c.1049-389A>G (NM_001374316.1, NM_015513.6); short protein forms T375A, T379A.
Identifiers: ClinVar variation 407064 (VCV000407064.5), dbSNP rs920334740, ClinGen allele CA16611552.
Genomic context (GRCh38, chr3:9,943,976, plus strand): 5'-TTAACTGATTTAACCCCTGAAACAACCCGACGCTGGAAGTTGGGTTCTCATCCCCACTCT[A>G]CATATGTAAAAATGAAGATGCAGAGAGATGAAGCTACTTTCCCAGGGCTATATGGCAAGC-3'

ClinVar aggregate classification (germline): Uncertain significance (1 of 4 stars; one submission).

Conditions:
Atrioventricular septal defect, susceptibility to, 2. Identifiers: MedGen C1853508, MONDO:0011650, OMIM 606217.

Allele frequency attached by ClinVar (database versions not stated): gnomAD 0.00001; gnomAD exomes 0.00001 and 0.00002; TOPMed 0.00004.
gnomAD v4.1: 10 of 1,079,760 alleles (0.00093%); highest among the groups gnomAD compares: Admixed American, 0.013%; no homozygotes.

Submission:

Labcorp Genetics (formerly Invitae), Labcorp
Classification: Uncertain significance for Atrioventricular septal defect, susceptibility to, 2. Last evaluated: 2017-05-13. Review status: criteria provided, single submitter. Criteria: Invitae Variant Classification Sherloc (09022015). Collection method: clinical testing. Allele origin: germline.
Comment: In summary, this variant is a novel missense change that is not predicted to affect protein function. There is no indication that it causes disease, but the available evidence is currently insufficient to prove that conclusively. Therefore, it has been classified as a Variant of Uncertain Significance. Algorithms developed to predict the effect of missense changes on protein structure and function (PolyPhen-2, Align-GVGD) suggest that this variant is likely to be tolerated, but these predictions have not been confirmed by published functional studies. This variant is not present in population databases (ExAC no frequency) and has not been reported in the literature in individuals with a CRELD1-related disease. This sequence change replaces threonine with alanine at codon 375 of the CRELD1 protein (p.Thr375Ala). The threonine residue is weakly conserved and there is a small physicochemical difference between threonine and alanine.